The following is an entry in ClinVar:

ClinVar aggregate classification (germline): Benign/Likely benign. Review status: criteria provided, multiple submitters, no conflicts (2 of 4 stars). 2 submissions from 2 submitters: Benign (1); Likely benign (1). Last evaluated 2026-06-01.

Allele frequency attached by ClinVar (database versions not stated): ESP Exome Variant Server 0.00015; gnomAD 0.00036 and 0.00039; 1000 Genomes Project 0.00040; gnomAD exomes 0.00048 and 0.00169; 1000 Genomes Project 30x 0.00062; TOPMed 0.00083; ExAC 0.00136.
gnomAD v4.1: 743 of 1,595,906 alleles (0.047%); highest among the groups gnomAD compares: Admixed American, 0.78%; 7 homozygotes.

Submissions (2):

CeGaT Center for Human Genetics Tuebingen
Classification: Likely benign. Last evaluated: 2026-06-01. Review status: criteria provided, single submitter. Criteria: CeGaT Center For Human Genetics Tuebingen Variant Classification Criteria Version 2. Collection method: clinical testing. Allele origin: germline. Affected: yes. Observed: 1 variant allele.
Comment: SIPA1L3: BS2

Labcorp Genetics (formerly Invitae), Labcorp
Classification: Benign. Last evaluated: 2026-01-12. Review status: criteria provided, single submitter. Criteria: Invitae Variant Classification Sherloc (09022015). Collection method: clinical testing. Allele origin: germline.

NM_015073.3(SIPA1L3):c.1823C>T (p.Thr608Met)

Gene: SIPA1L3 (signal induced proliferation associated 1 like 3; plus strand). Cytogenetic location: 19q13.13.
Variant type: single nucleotide variant.
Coding change: c.1823C>T on transcript NM_015073.3 (MANE Select); coding-DNA position 1823, C replaced by T.
Protein change: p.Thr608Met; replaces threonine 608 with methionine.
Molecular consequence: missense variant.
Genome position (GRCh38, 1-based): chr19:38,100,119, C>T. VCF-style: chr19-38100119-C-T. GRCh37 (hg19) VCF-style: chr19-38590759-C-T.
Other names: short protein forms T608M.
Identifiers: ClinVar variation 730973 (VCV000730973.11), dbSNP rs139605109, ClinGen allele CA9409478.